The following is an entry in ClinVar:

ClinVar aggregate classification (germline): Uncertain significance (1 of 4 stars; one submission).

Conditions:
Senior-Loken syndrome 8 (SLSN8). Identifiers: Orphanet 3156, MedGen C4225376, MONDO:0014579, OMIM 616307.
Asphyxiating thoracic dystrophy 5 (SRTD5). Also called: SHORT-RIB THORACIC DYSPLASIA 5 WITH OR WITHOUT POLYDACTYLY; SHORT-RIB THORACIC DYSPLASIA 5 WITHOUT POLYDACTYLY. Identifiers: Orphanet 474, MedGen C3280598, MONDO:0013717, OMIM 614376.

Allele frequency attached by ClinVar (database versions not stated): TOPMed 0.00001.

Submission:

Labcorp Genetics (formerly Invitae), Labcorp
Classification: Uncertain significance for Senior-Loken syndrome 8; Asphyxiating thoracic dystrophy 5. Last evaluated: 2022-07-19. Review status: criteria provided, single submitter. Criteria: Invitae Variant Classification Sherloc (09022015). Collection method: clinical testing. Allele origin: germline.
Comment: Algorithms developed to predict the effect of missense changes on protein structure and function are either unavailable or do not agree on the potential impact of this missense change (SIFT: "Deleterious"; PolyPhen-2: "Probably Damaging"; Align-GVGD: "Class C15"). In summary, the available evidence is currently insufficient to determine the role of this variant in disease. Therefore, it has been classified as a Variant of Uncertain Significance. ClinVar contains an entry for this variant (Variation ID: 842444). This variant has not been reported in the literature in individuals affected with WDR19-related conditions. This variant is not present in population databases (gnomAD no frequency). This sequence change replaces proline, which is neutral and non-polar, with arginine, which is basic and polar, at codon 775 of the WDR19 protein (p.Pro775Arg).

NM_025132.4(WDR19):c.2324C>G (p.Pro775Arg)

Gene: WDR19 (WD repeat domain 19; plus strand). Cytogenetic location: 4p14.
Variant type: single nucleotide variant.
Coding change: c.2324C>G on transcript NM_025132.4 (MANE Select); coding-DNA position 2324, C replaced by G.
Protein change: p.Pro775Arg; replaces proline 775 with arginine.
Molecular consequence: missense variant.
Genome position (GRCh38, 1-based): chr4:39,234,836, C>G. VCF-style: chr4-39234836-C-G. GRCh37 (hg19) VCF-style: chr4-39236456-C-G.
Other names: c.1844C>G, p.Pro615Arg (NM_001317924.2); short protein forms P775R, P615R.
Identifiers: ClinVar variation 842444 (VCV000842444.11), dbSNP rs1731220593, ClinGen allele CA356635541.
Genomic context (GRCh38, chr4:39,234,836, plus strand): 5'-ATTTACAGCATTGGGACAGTGCTCTACAACTGGCAAAGCATTTGGCCCCAGACCAGATAC[C>G]TTTTATATCAAAAGAATATGCTATTCAGCTTGAATTCGCGTAAGTCTTTGTTTTTATACA-3'
Protein context (NP_079408.3, residues 765-785): LAKHLAPDQI[Pro775Arg]FISKEYAIQL